The following is an entry in ClinVar:

ClinVar aggregate classification (germline): Uncertain significance (1 of 4 stars; one submission).

Allele frequency attached by ClinVar (database versions not stated): gnomAD exomes below 0.00001; gnomAD 0.00001; TOPMed 0.00001.
gnomAD v4.1: 3 of 1,613,134 alleles (0.00019%); highest among the groups gnomAD compares: Admixed American, 0.0033%; no homozygotes.

Submission:

Labcorp Genetics (formerly Invitae), Labcorp
Classification: Uncertain significance. Last evaluated: 2023-09-25. Review status: criteria provided, single submitter. Criteria: Invitae Variant Classification Sherloc (09022015). Collection method: clinical testing. Allele origin: germline.
Comment: This sequence change falls in intron 4 of the TTBK2 gene. It does not directly change the encoded amino acid sequence of the TTBK2 protein. It affects a nucleotide within the consensus splice site. In summary, the available evidence is currently insufficient to determine the role of this variant in disease. Therefore, it has been classified as a Variant of Uncertain Significance. Variants that disrupt the consensus splice site are a relatively common cause of aberrant splicing (PMID: 17576681, 9536098). Algorithms developed to predict the effect of sequence changes on RNA splicing suggest that this variant is not likely to affect RNA splicing. This variant has not been reported in the literature in individuals affected with TTBK2-related conditions. This variant is present in population databases (no rsID available, gnomAD 0.006%).

Literature cited by the submitters: PubMed 17576681; PubMed 9536098.

NM_173500.4(TTBK2):c.291+4G>T

Gene: TTBK2 (tau tubulin kinase 2; minus strand). Cytogenetic location: 15q15.2.
Variant type: single nucleotide variant.
Coding change: c.291+4G>T on transcript NM_173500.4 (MANE Select); 4 bases into the intron after coding-DNA position 291, G replaced by T.
Molecular consequence: intron variant.
Genome position (GRCh38, 1-based): chr15:42,840,356, C>A on the plus strand (G>T on the coding strand, the complement: TTBK2 is on the minus strand). VCF-style: chr15-42840356-C-A. GRCh37 (hg19) VCF-style: chr15-43132554-C-A.
Identifiers: ClinVar variation 2776114 (VCV002776114.3), dbSNP rs898100266, ClinGen allele CA269901441.
Genomic context (GRCh38, chr15:42,840,356, plus strand): 5'-CACTGTAATTGTATACTTTGATCAAAACTGAAGAATTTAAAGATACGTTTTCAAGGTAAC[C>A]TACCTGCAACTGCATGACCACATAGTTGAATCGATCATTCCTCCCACAGCCAATAAATCT-3'